The following is an entry in ClinVar:

ClinVar aggregate classification (germline): Uncertain significance. Review status: criteria provided, multiple submitters, no conflicts (2 of 4 stars). 2 submissions from 2 submitters: Uncertain significance (2). Last evaluated 2025-11-03.

Conditions:
Ataxia-telangiectasia syndrome (AT). Also called: LOUIS-BAR SYNDROME; Cerebello-oculocutaneous telangiectasia; Immunodeficiency with ataxia telangiectasia; ATAXIA-TELANGIECTASIA, COMPLEMENTATION GROUP A; ATAXIA-TELANGIECTASIA, FRESNO VARIANT; Ataxia-telangiectasia. Identifiers: Orphanet 100, MedGen C0004135, MONDO:0008840, OMIM 208900.
Hereditary cancer-predisposing syndrome. Also called: Tumor predisposition; Hereditary Cancer Syndrome; Neoplastic Syndromes, Hereditary; Hereditary neoplastic syndrome. Identifiers: Orphanet 140162, MedGen C0027672, MeSH D009386, MONDO:0015356.

Submissions (2):

Labcorp Genetics (formerly Invitae), Labcorp
Classification: Uncertain significance for Ataxia-telangiectasia syndrome. Last evaluated: 2025-11-03. Review status: criteria provided, single submitter. Criteria: Invitae Variant Classification Sherloc (09022015). Collection method: clinical testing. Allele origin: germline.
Comment: This sequence change replaces isoleucine, which is neutral and non-polar, with lysine, which is basic and polar, at codon 3040 of the ATM protein (p.Ile3040Lys). This variant is not present in population databases (gnomAD no frequency). This variant has not been reported in the literature in individuals affected with ATM-related conditions. ClinVar contains an entry for this variant (Variation ID: 3450479). Invitae Evidence Modeling of protein sequence and biophysical properties (such as structural, functional, and spatial information, amino acid conservation, physicochemical variation, residue mobility, and thermodynamic stability) indicates that this missense variant is not expected to disrupt ATM protein function with a negative predictive value of 95%. In summary, the available evidence is currently insufficient to determine the role of this variant in disease. Therefore, it has been classified as a Variant of Uncertain Significance.

Ambry Genetics
Classification: Uncertain significance for Hereditary cancer-predisposing syndrome. Last evaluated: 2024-08-19. Review status: criteria provided, single submitter. Criteria: Ambry Variant Classification Scheme 2023. Collection method: clinical testing. Allele origin: germline.
Comment: The p.I3040K variant (also known as c.9119T>A), located in coding exon 62 of the ATM gene, results from a T to A substitution at nucleotide position 9119. The isoleucine at codon 3040 is replaced by lysine, an amino acid with dissimilar properties. This amino acid position is poorly conserved in available vertebrate species. In addition, this alteration is predicted to be tolerated by in silico analysis. Based on the available evidence, the clinical significance of this variant remains unclear.

NM_000051.4(ATM):c.9119T>A (p.Ile3040Lys)

Genes: ATM (ATM serine/threonine kinase; plus strand), C11orf65 (chromosome 11 open reading frame 65; minus strand). Cytogenetic location: 11q22.3.
Variant type: single nucleotide variant.
Coding change: c.9119T>A on transcript NM_000051.4 (MANE Select); coding-DNA position 9119, T replaced by A.
Protein change: p.Ile3040Lys; replaces isoleucine 3040 with lysine.
Molecular consequence: missense variant. On other transcripts: intron variant (2).
Genome position (GRCh38, 1-based): chr11:108,365,456, T>A. VCF-style: chr11-108365456-T-A. GRCh37 (hg19) VCF-style: chr11-108236183-T-A.
Other names: c.9119T>A, p.Ile3040Lys (NM_001351834.2); c.640+20464A>T (NM_001330368.2); c.694+20464A>T (NM_001351110.2); short protein forms I3040K.
Identifiers: ClinVar variation 3450479 (VCV003450479.3).